The following is an entry in ClinVar:

ClinVar aggregate classification (germline): Uncertain significance (1 of 4 stars; one submission).

Conditions:
Inborn genetic diseases. Identifiers: MedGen C0950123, MeSH D030342.

gnomAD v4.1: 2 of 1,614,158 alleles (0.00012%); highest among the groups gnomAD compares: Admixed American, 0.0033%; no homozygotes.

Submission:

Ambry Genetics
Classification: Uncertain significance for Inborn genetic diseases. Last evaluated: 2025-07-12. Review status: criteria provided, single submitter. Criteria: Ambry Variant Classification Scheme 2023. Collection method: clinical testing. Allele origin: germline.
Comment: The p.N1221K variant (also known as c.3663C>A), located in coding exon 37 of the FANCA gene, results from a C to A substitution at nucleotide position 3663. The asparagine at codon 1221 is replaced by lysine, an amino acid with similar properties. This amino acid position is conserved. In addition, this alteration is predicted to be tolerated by in silico analysis. Based on the available evidence, the clinical significance of this variant remains unclear.

NM_000135.4(FANCA):c.3663C>A (p.Asn1221Lys)

Gene: FANCA (FA complementation group A; minus strand). Cytogenetic location: 16q24.3.
Variant type: single nucleotide variant.
Coding change: c.3663C>A on transcript NM_000135.4 (MANE Select); coding-DNA position 3663, C replaced by A.
Protein change: p.Asn1221Lys; replaces asparagine 1221 with lysine.
Molecular consequence: missense variant.
Genome position (GRCh38, 1-based): chr16:89,742,902, G>T on the plus strand (C>A on the coding strand, the complement: FANCA is on the minus strand). VCF-style: chr16-89742902-G-T. GRCh37 (hg19) VCF-style: chr16-89809310-G-T.
Other names: c.3663C>A, p.Asn1221Lys (NM_001286167.3); short protein forms N1221K.
Identifiers: ClinVar variation 4254193 (VCV004254193.1).